The following is an entry in ClinVar:

NM_002968.3(SALL1):c.316G>T (p.Asp106Tyr)

Gene: SALL1 (spalt like transcription factor 1; minus strand). Cytogenetic location: 16q12.1.
Variant type: single nucleotide variant.
Coding change: c.316G>T on transcript NM_002968.3 (MANE Select); coding-DNA position 316, G replaced by T.
Protein change: p.Asp106Tyr; replaces aspartic acid 106 with tyrosine.
Molecular consequence: missense variant.
Genome position (GRCh38, 1-based): chr16:51,141,906, C>A on the plus strand (G>T on the coding strand, the complement: SALL1 is on the minus strand). VCF-style: chr16-51141906-C-A. GRCh37 (hg19) VCF-style: chr16-51175817-C-A.
Other names: c.25G>T, p.Asp9Tyr (NM_001127892.2); short protein forms D106Y, D9Y.
Identifiers: ClinVar variation 4761221 (VCV004761221.1).

ClinVar aggregate classification (germline): Uncertain significance (1 of 4 stars; one submission).

Conditions:
Townes syndrome (TBS). Also called: Townes-Brocks syndrome. Identifiers: Orphanet 857, MedGen C0265246, MeSH C536974, MONDO:0007142.

gnomAD v4.1: 37 of 1,613,552 alleles (0.0023%); highest among the groups gnomAD compares: Non-Finnish European, 0.0031%; no homozygotes.

Submission:

Labcorp Genetics (formerly Invitae), Labcorp
Classification: Uncertain significance for Townes syndrome. Last evaluated: 2025-10-09. Review status: criteria provided, single submitter. Criteria: Invitae Variant Classification Sherloc (09022015). Collection method: clinical testing. Allele origin: germline.
Comment: This sequence change replaces aspartic acid, which is acidic and polar, with tyrosine, which is neutral and polar, at codon 106 of the SALL1 protein (p.Asp106Tyr). This variant is present in population databases (rs770600853, gnomAD 0.003%). This variant has not been reported in the literature in individuals affected with SALL1-related conditions. Invitae Evidence Modeling of protein sequence and biophysical properties (such as structural, functional, and spatial information, amino acid conservation, physicochemical variation, residue mobility, and thermodynamic stability) indicates that this missense variant is expected to disrupt SALL1 protein function with a positive predictive value of 80%. In summary, the available evidence is currently insufficient to determine the role of this variant in disease. Therefore, it has been classified as a Variant of Uncertain Significance.